The following is an entry in ClinVar:

ClinVar aggregate classification (germline): Uncertain significance. Review status: criteria provided, multiple submitters, no conflicts (2 of 4 stars). 2 submissions from 2 submitters: Uncertain significance (2). Last evaluated 2025-10-06.

Conditions:
Inborn genetic diseases. Identifiers: MedGen C0950123, MeSH D030342.

Allele frequency attached by ClinVar (database versions not stated): TOPMed below 0.00001; gnomAD exomes below 0.00001.
gnomAD v4.1: 2 of 1,613,526 alleles (0.00012%); highest among the groups gnomAD compares: African/African-American, 0.0013%; no homozygotes.

Submissions (2):

Labcorp Genetics (formerly Invitae), Labcorp
Classification: Uncertain significance. Last evaluated: 2025-10-06. Review status: criteria provided, single submitter. Criteria: Invitae Variant Classification Sherloc (09022015). Collection method: clinical testing. Allele origin: germline.
Comment: This sequence change replaces tyrosine, which is neutral and polar, with histidine, which is basic and polar, at codon 826 of the PLK4 protein (p.Tyr826His). This variant is not present in population databases (gnomAD no frequency). This variant has not been reported in the literature in individuals affected with PLK4-related conditions. ClinVar contains an entry for this variant (Variation ID: 2050614). An algorithm developed to predict the effect of missense changes on protein structure and function (PolyPhen-2) suggests that this variant is likely to be tolerated. In summary, the available evidence is currently insufficient to determine the role of this variant in disease. Therefore, it has been classified as a Variant of Uncertain Significance.

Ambry Genetics
Classification: Uncertain significance for Inborn genetic diseases. Last evaluated: 2021-09-27. Review status: criteria provided, single submitter. Criteria: Ambry Variant Classification Scheme 2023. Collection method: clinical testing. Allele origin: germline.

NM_014264.5(PLK4):c.2476T>C (p.Tyr826His)

Gene: PLK4 (polo like kinase 4; plus strand). Cytogenetic location: 4q28.1.
Variant type: single nucleotide variant.
Coding change: c.2476T>C on transcript NM_014264.5 (MANE Select); coding-DNA position 2476, T replaced by C.
Protein change: p.Tyr826His; replaces tyrosine 826 with histidine.
Molecular consequence: missense variant.
Genome position (GRCh38, 1-based): chr4:127,893,795, T>C. VCF-style: chr4-127893795-T-C. GRCh37 (hg19) VCF-style: chr4-128814950-T-C.
Other names: c.2380T>C, p.Tyr794His (NM_001190799.2); c.2353T>C, p.Tyr785His (NM_001190801.2); short protein forms Y785H, Y826H, Y794H.
Identifiers: ClinVar variation 2050614 (VCV002050614.5), dbSNP rs987776624, ClinGen allele CA105641934.